The following is an entry in ClinVar:

NM_001371904.1(APOA5):c.1095C>A (p.Asp365Glu)

Gene: APOA5 (apolipoprotein A5; minus strand). Cytogenetic location: 11q23.3.
Variant type: single nucleotide variant.
Coding change: c.1095C>A on transcript NM_001371904.1 (MANE Select); coding-DNA position 1095, C replaced by A.
Protein change: p.Asp365Glu; replaces aspartic acid 365 with glutamic acid.
Molecular consequence: missense variant.
Genome position (GRCh38, 1-based): chr11:116,790,134, G>T on the plus strand (C>A on the coding strand, the complement: APOA5 is on the minus strand). VCF-style: chr11-116790134-G-T. GRCh37 (hg19) VCF-style: chr11-116660850-G-T.
Other names: c.1095C>A, p.Asp365Glu (NM_001166598.2, NM_052968.5); short protein forms D365E.
Identifiers: ClinVar variation 3678739 (VCV003678739.2).

ClinVar aggregate classification (germline): Uncertain significance (1 of 4 stars; one submission).

Submission:

Labcorp Genetics (formerly Invitae), Labcorp
Classification: Uncertain significance. Last evaluated: 2024-09-23. Review status: criteria provided, single submitter. Criteria: Invitae Variant Classification Sherloc (09022015). Collection method: clinical testing. Allele origin: germline.
Comment: This sequence change replaces aspartic acid, which is acidic and polar, with glutamic acid, which is acidic and polar, at codon 365 of the APOA5 protein (p.Asp365Glu). This variant is present in population databases (no rsID available, gnomAD 0.01%). This variant has not been reported in the literature in individuals affected with APOA5-related conditions. An algorithm developed to predict the effect of missense changes on protein structure and function outputs the following: PolyPhen-2: "Benign". The glutamic acid amino acid residue is found in multiple mammalian species, which suggests that this missense change does not adversely affect protein function. In summary, the available evidence is currently insufficient to determine the role of this variant in disease. Therefore, it has been classified as a Variant of Uncertain Significance.